The following is an entry in ClinVar:

ClinVar aggregate classification (germline): Uncertain significance (1 of 4 stars; one submission).

Conditions:
SCAPER-related disorder. Also called: SCAPER-related condition.

gnomAD v4.1: 1 of 1,612,160 alleles (0.000062%); highest among the groups gnomAD compares: African/African-American, 0.0013%; no homozygotes.

Submission:

PreventionGenetics, part of Exact Sciences
Classification: Uncertain significance for SCAPER-related condition. Last evaluated: 2025-05-20. Review status: criteria provided, single submitter. Criteria: ACMG Guidelines, 2015. Collection method: clinical testing. Allele origin: germline.
Comment: The SCAPER c.3061A>G variant is predicted to result in the amino acid substitution p.Thr1021Ala. To our knowledge, this variant has not been reported in the literature or in a large population database (gnomAD), indicating this variant is rare. At this time, the clinical significance of this variant is uncertain due to the absence of conclusive functional and genetic evidence.

NM_020843.4(SCAPER):c.3043A>G (p.Thr1015Ala)

Gene: SCAPER (S-phase cyclin A associated protein in the ER; minus strand). Cytogenetic location: 15q24.3.
Variant type: single nucleotide variant.
Coding change: c.3043A>G on transcript NM_020843.4 (MANE Select); coding-DNA position 3043, A replaced by G.
Protein change: p.Thr1015Ala; replaces threonine 1015 with alanine.
Molecular consequence: missense variant. On other transcripts: non-coding transcript variant (1).
Genome position (GRCh38, 1-based): chr15:76,471,247, T>C on the plus strand (A>G on the coding strand, the complement: SCAPER is on the minus strand). VCF-style: chr15-76471247-T-C. GRCh37 (hg19) VCF-style: chr15-76763588-T-C.
Other names: c.2305A>G, p.Thr769Ala (NM_001145923.2); c.3061A>G, p.Thr1021Ala (NM_001353009.2); c.2641A>G, p.Thr881Ala (NM_001353010.2, NM_001353012.2); c.2659A>G, p.Thr887Ala (NM_001353011.2); short protein forms T1015A, T1021A, T769A, T881A, T887A.
Identifiers: ClinVar variation 5001250 (VCV005001250.1).